The following is an entry in ClinVar:

ClinVar aggregate classification (germline): Uncertain significance. Review status: criteria provided, multiple submitters, no conflicts (2 of 4 stars). 3 submissions from 3 submitters: Uncertain significance (3). Last evaluated 2025-03-27.

Conditions:
TAB2-related disorder.
Inborn genetic diseases. Identifiers: MedGen C0950123, MeSH D030342.

Allele frequency attached by ClinVar (database versions not stated): gnomAD 0.00001; gnomAD exomes 0.00001; TOPMed 0.00002.
gnomAD v4.1: 18 of 1,614,072 alleles (0.0011%); highest among the groups gnomAD compares: Middle Eastern, 0.016%; no homozygotes.

Submissions (3):

Labcorp Genetics (formerly Invitae), Labcorp
Classification: Uncertain significance. Last evaluated: 2025-03-27. Review status: criteria provided, single submitter. Criteria: Invitae Variant Classification Sherloc (09022015). Collection method: clinical testing. Allele origin: germline.
Comment: This sequence change replaces histidine, which is basic and polar, with arginine, which is basic and polar, at codon 496 of the TAB2 protein (p.His496Arg). This variant is present in population databases (no rsID available, gnomAD 0.01%). This variant has not been reported in the literature in individuals affected with TAB2-related conditions. ClinVar contains an entry for this variant (Variation ID: 2628577). Invitae Evidence Modeling of protein sequence and biophysical properties (such as structural, functional, and spatial information, amino acid conservation, physicochemical variation, residue mobility, and thermodynamic stability) indicates that this missense variant is not expected to disrupt TAB2 protein function with a negative predictive value of 80%. In summary, the available evidence is currently insufficient to determine the role of this variant in disease. Therefore, it has been classified as a Variant of Uncertain Significance.

Ambry Genetics
Classification: Uncertain significance for Inborn genetic diseases. Last evaluated: 2024-03-25. Review status: criteria provided, single submitter. Criteria: Ambry Variant Classification Scheme 2023. Collection method: clinical testing. Allele origin: germline.

PreventionGenetics, part of Exact Sciences
Classification: Uncertain significance for TAB2-related condition. Last evaluated: 2022-10-19. Review status: criteria provided, single submitter. Criteria: ACMG Guidelines, 2015. Collection method: clinical testing. Allele origin: germline.
Comment: The TAB2 c.1487A>G variant is predicted to result in the amino acid substitution p.His496Arg. To our knowledge, this variant has not been reported in the literature. This variant is reported in 0.014% of alleles in individuals of Latino descent in gnomAD. Although we suspect that this variant may be benign, at this time, the clinical significance of this variant is uncertain due to the absence of conclusive functional and genetic evidence.

NM_001292034.3(TAB2):c.1487A>G (p.His496Arg)

Genes: TAB2 (TGF-beta activated kinase 1 (MAP3K7) binding protein 2; plus strand), LOC126859827 (BRD4-independent group 4 enhancer GRCh37_chr6:149699707-149700906; plus strand). Cytogenetic location: 6q25.1.
Variant type: single nucleotide variant.
Coding change: c.1487A>G on transcript NM_001292034.3 (MANE Select); coding-DNA position 1487, A replaced by G.
Protein change: p.His496Arg; replaces histidine 496 with arginine.
Molecular consequence: missense variant.
Genome position (GRCh38, 1-based): chr6:149,379,402, A>G. VCF-style: chr6-149379402-A-G. GRCh37 (hg19) VCF-style: chr6-149700538-A-G.
Other names: c.1391A>G, p.His464Arg (NM_001292035.3); c.1487A>G, p.His496Arg (NM_001369506.1, NM_015093.6); c.1487A>G (NM_015093.4); short protein forms H464R, H496R.
Identifiers: ClinVar variation 2628577 (VCV002628577.3), dbSNP rs986270828, ClinGen allele CA149917757.